The following is an entry in ClinVar:

NM_000376.3(VDR):c.*222G>C

Gene: VDR (vitamin D receptor; minus strand). Cytogenetic location: 12q13.11.
Variant type: single nucleotide variant.
Coding change: c.*222G>C on transcript NM_000376.3 (MANE Select); 222 bases downstream of the stop codon, G replaced by C.
Molecular consequence: 3 prime UTR variant.
Genome position (GRCh38, 1-based): chr12:47,844,524, C>G on the plus strand (G>C on the coding strand, the complement: VDR is on the minus strand). VCF-style: chr12-47844524-C-G. GRCh37 (hg19) VCF-style: chr12-48238307-C-G.
Other names: c.*222G>C (NM_001017535.2, NM_001017536.2, NM_001374661.1 and 1 more transcripts); c.*21G>C (NM_001364085.2).
Identifiers: ClinVar variation 880948 (VCV000880948.5), dbSNP rs11574117, ClinGen allele CA236505761.

ClinVar aggregate classification (germline): Conflicting classifications of pathogenicity. Review status: criteria provided, conflicting classifications (1 of 4 stars). 2 submissions from 2 submitters: Uncertain significance (1); Likely benign (1). Last evaluated 2022-02-04.

Conditions:
Vitamin D-dependent rickets type II with alopecia (VDDR2A). Also called: GENERALIZED RESISTANCE TO 1,25-DIHYDROXYVITAMIN D; HYPOCALCEMIC VITAMIN D-RESISTANT RICKETS; PDDR IIA; PSEUDOVITAMIN D-DEFICIENCY, TYPE IIA; RICKETS, HEREDITARY VITAMIN D-RESISTANT; RICKETS-ALOPECIA SYNDROME. Identifiers: Orphanet 93160, MedGen C0342646, MONDO:0010186, OMIM 277440.

Allele frequency attached by ClinVar (database versions not stated): 1000 Genomes Project 0.00539; 1000 Genomes Project 30x 0.00547; gnomAD 0.00688 and 0.00758; TOPMed 0.00802.
gnomAD v4.1: 1,460 of 645,288 alleles (0.23%); highest among the groups gnomAD compares: African/African-American, 2.4%; 22 homozygotes.

Submissions (2):

GeneDx
Classification: Likely benign. Last evaluated: 2022-02-04. Review status: criteria provided, single submitter. Criteria: GeneDx Variant Classification Process June 2021. Collection method: clinical testing. Allele origin: germline. Affected: yes.
Comment: See Variant Classification Assertion Criteria.

Illumina Laboratory Services, Illumina
Classification: Uncertain significance for Vitamin D-dependent rickets type II with alopecia. Last evaluated: 2018-01-13. Review status: criteria provided, single submitter. Criteria: ICSL Variant Classification Criteria 13 December 2019. Collection method: clinical testing. Allele origin: germline.